The following is an entry in ClinVar:

NM_006946.4(SPTBN2):c.5138G>A (p.Arg1713His)

Gene: SPTBN2 (spectrin beta, non-erythrocytic 2; minus strand). Cytogenetic location: 11q13.2.
Variant type: single nucleotide variant.
Coding change: c.5138G>A on transcript NM_006946.4 (MANE Select); coding-DNA position 5138, G replaced by A.
Protein change: p.Arg1713His; replaces arginine 1713 with histidine.
Molecular consequence: missense variant.
Genome position (GRCh38, 1-based): chr11:66,692,588, C>T on the plus strand (G>A on the coding strand, the complement: SPTBN2 is on the minus strand). VCF-style: chr11-66692588-C-T. GRCh37 (hg19) VCF-style: chr11-66460059-C-T.
Other names: short protein forms R1713H.
Identifiers: ClinVar variation 1256179 (VCV001256179.3), dbSNP rs753738305, ClinGen allele CA6128354.
Genomic context (GRCh38, chr11:66,692,588, plus strand): 5'-ACACTCACAGTCACATGCTCGTAGTCCTGGCCCAGCTCGTGGGAGGCCGCCACCACCTCG[C>T]GCTCCTGGATCCACTGTTCCAGGTCATCCAGCTCGCGGCGGAGCTGGCACAGCCGGAGGT-3'
Protein context (NP_008877.2, residues 1703-1723): LDDLEQWIQE[Arg1713His]EVVAASHELG

ClinVar aggregate classification (germline): Uncertain significance. Review status: criteria provided, multiple submitters, no conflicts (2 of 4 stars). 2 submissions from 2 submitters: Uncertain significance (2). Last evaluated 2025-11-12.

Allele frequency attached by ClinVar (database versions not stated): TOPMed below 0.00001; ExAC 0.00001; gnomAD 0.00001; gnomAD exomes 0.00001 and 0.00002.
gnomAD v4.1: 29 of 1,606,420 alleles (0.0018%); highest among the groups gnomAD compares: South Asian, 0.0033%; no homozygotes.

Submissions (2):

Labcorp Genetics (formerly Invitae), Labcorp
Classification: Uncertain significance. Last evaluated: 2025-11-12. Review status: criteria provided, single submitter. Criteria: Invitae Variant Classification Sherloc (09022015). Collection method: clinical testing. Allele origin: germline.
Comment: This sequence change replaces arginine, which is basic and polar, with histidine, which is basic and polar, at codon 1713 of the SPTBN2 protein (p.Arg1713His). This variant is present in population databases (rs753738305, gnomAD 0.003%). This variant has not been reported in the literature in individuals affected with SPTBN2-related conditions. ClinVar contains an entry for this variant (Variation ID: 1256179). Invitae Evidence Modeling of protein sequence and biophysical properties (such as structural, functional, and spatial information, amino acid conservation, physicochemical variation, residue mobility, and thermodynamic stability) indicates that this missense variant is not expected to disrupt SPTBN2 protein function with a negative predictive value of 80%. In summary, the available evidence is currently insufficient to determine the role of this variant in disease. Therefore, it has been classified as a Variant of Uncertain Significance.

Athena Diagnostics
Classification: Uncertain significance. Last evaluated: 2021-06-09. Review status: criteria provided, single submitter. Criteria: Athena Diagnostics Criteria. Collection method: clinical testing. Allele origin: unknown.